The following is an entry in ClinVar:

ClinVar aggregate classification (germline): Uncertain significance (1 of 4 stars; one submission).

Conditions:
Hereditary cancer-predisposing syndrome. Also called: Hereditary neoplastic syndrome; Tumor predisposition; Neoplastic Syndromes, Hereditary; Hereditary Cancer Syndrome. Identifiers: Orphanet 140162, MedGen C0027672, MeSH D009386, MONDO:0015356.

Allele frequency attached by ClinVar (database versions not stated): gnomAD 0.00001; TOPMed 0.00003; 1000 Genomes Project 30x 0.00016; 1000 Genomes Project 0.00020.
gnomAD v4.1: 2 of 151,956 alleles (0.0013%); highest among the groups gnomAD compares: East Asian, 0.039%; no homozygotes.

Submission:

Sema4
Classification: Uncertain significance for Hereditary cancer-predisposing syndrome. Last evaluated: 2021-08-25. Review status: criteria provided, single submitter. Criteria: Sema4 Curation Guidelines. Collection method: curation. Allele origin: germline.
Comment: The BRCA1 c.81-3772G>A variant has been reported in heterozygosity in at least one individual being evaluated for Hereditary Breast and Ovarian Cancer syndrome (PMID: 29236234). It was observed in 2/2502 chromosomes of the East Asian subpopulation in the large and broad cohorts of the Genome Aggregation Database (PMID: 32461654). This variant is a deep intronic variant without any in silico or functional evidence of pathogenicity. The variant has not been reported in ClinVar. The evidence is insufficient to meet ACMG/AMP criteria for classifying the variant as benign or pathogenic. Thus, the clinical significance of this variant is currently uncertain.

Literature cited by the submitters: PubMed 29236234.

NM_007294.4(BRCA1):c.81-3772G>A

Gene: BRCA1 (BRCA1 DNA repair associated; minus strand). Cytogenetic location: 17q21.31.
Variant type: single nucleotide variant.
Coding change: c.81-3772G>A on transcript NM_007294.4 (MANE Select); 3772 bases into the intron before coding-DNA position 81, G replaced by A.
Molecular consequence: intron variant.
Genome position (GRCh38, 1-based): chr17:43,119,551, C>T on the plus strand (G>A on the coding strand, the complement: BRCA1 is on the minus strand). VCF-style: chr17-43119551-C-T. GRCh37 (hg19) VCF-style: chr17-41271568-C-T.
Other names: c.81-3772G>A (NM_001407992.1, NM_001407629.1, NM_001407636.1 and 191 more transcripts); c.-109+2007G>A (NM_001407917.1, NM_001408513.1, NM_001407954.1); c.-62+2007G>A (NM_001408462.1, NM_001408503.1, NM_001407943.1 and 25 more transcripts); c.-55+4466G>A (NM_001407902.1, NM_001407898.1, NM_001407881.1); c.-108-3772G>A (NM_001407956.1, NM_001407897.1, NM_001407947.1 and 48 more transcripts); c.-177-3772G>A (NM_001407724.1, NM_001407746.1, NM_001408468.1 and 12 more transcripts); c.-61-3772G>A (NM_001408458.1, NM_001408470.1, NM_001407848.1 and 16 more transcripts); c.-219+5726G>A (NM_001407967.1); and 16 more.
Identifiers: ClinVar variation 1692982 (VCV001692982.1), dbSNP rs377570241, ClinGen allele CA290824627.
Genomic context (GRCh38, chr17:43,119,551, plus strand): 5'-CCTTCTCTTGCCATTCACCCTGCCAGACTCCTTGGGCTATTGCAAGAATAAAATTAAATG[C>T]TACTTGGGAAAATGCTTCACAACCTGAGATGACTTGGGAAAAATGCTTCACAACCTGAGA-3'